The following is an entry in ClinVar:

ClinVar aggregate classification (germline): Uncertain significance. Review status: reviewed by expert panel (3 of 4 stars). 7 submissions from 6 submitters: Uncertain significance (1). 6 of the submissions do not count toward it. Last evaluated 2024-05-09.

Conditions:
Maturity-onset diabetes of the young (MODY). Also called: Maturity onset diabetes mellitus in young. Identifiers: Orphanet 552, MedGen C0342276, MONDO:0018911, HP:0004904.
Maturity-onset diabetes of the young type 1. Also called: MILD JUVENILE DIABETES MELLITUS; MODY type 1; Diabetes mellitus MODY type 1; MODY HNF4A related; MODY, type I; HNF4A-Related Maturity-Onset Diabetes of the Young Type 1. Identifiers: Orphanet 552, MedGen C1852093, MONDO:0007452, OMIM 125850. Disease mechanism: loss of function.
Monogenic diabetes. Identifiers: Orphanet 183625, MedGen C3888631, MONDO:0015967.
Familial hyperinsulinism. Also called: Congenital hyperinsulinism. Identifiers: Orphanet 276525, MedGen C3888018, MONDO:0017182. Disease mechanism: loss of function.

Allele frequency attached by ClinVar (database versions not stated): gnomAD 0.00001; gnomAD exomes 0.00001 and 0.00002; ExAC 0.00002; TOPMed 0.00002.
gnomAD v4.1: 20 of 1,614,128 alleles (0.0012%); highest among the groups gnomAD compares: Admixed American, 0.0017%; no homozygotes.

Submissions (7):

ClinGen Monogenic Diabetes Variant Curation Expert Panel
Classification: Uncertain significance for Monogenic diabetes. Last evaluated: 2024-05-09. Review status: reviewed by expert panel. Criteria: ClinGen Diabetes ACMG Specifications HNF4A V2.0.0. Collection method: curation. Allele origin: germline. Inheritance: Autosomal dominant inheritance.
Comment: The c.481A>G variant in the hepatocyte nuclear factor 4-alpha gene, HNF4A, causes an amino acid change of serine to glycine at codon 161 (p.(Ser161Gly)) of NM_175914.5. The Grpmax filtering allele frequency of the c.481A>G variant in gnomAD v2.1.1 is 0.00001121, which falls between ClinGen MDEP-established cutoffs for PM2_Supporting and BS1; thus, neither criterion will be applied. Additionally, this variant has a REVEL score of 0.347, which is between the ClinGen MDEP thresholds for BP4 and PP3, predicting neither a damaging nor benign impact on HNF4A function. In summary, c.481A>G meets the criteria to be classified as a variant of uncertain significance for monogenic diabetes. ACMG/AMP criteria applied, as specified by the ClinGen MDEP (specification version 2.0.0, approved 10/11/2023): PP4.

Labcorp Genetics (formerly Invitae), Labcorp
Classification: Uncertain significance. Last evaluated: 2025-04-21. Review status: criteria provided, single submitter. Criteria: Invitae Variant Classification Sherloc (09022015). Collection method: clinical testing. Allele origin: germline. Not counted in ClinVar's aggregate classification.
Comment: This sequence change replaces serine, which is neutral and polar, with glycine, which is neutral and non-polar, at codon 161 of the HNF4A protein (p.Ser161Gly). The frequency data for this variant in the population databases is considered unreliable, as metrics indicate poor data quality at this position in the gnomAD database. This variant has not been reported in the literature in individuals affected with HNF4A-related conditions. ClinVar contains an entry for this variant (Variation ID: 493321). Invitae Evidence Modeling of protein sequence and biophysical properties (such as structural, functional, and spatial information, amino acid conservation, physicochemical variation, residue mobility, and thermodynamic stability) has been performed for this missense variant. However, the output from this modeling did not meet the statistical confidence thresholds required to predict the impact of this variant on HNF4A protein function. In summary, the available evidence is currently insufficient to determine the role of this variant in disease. Therefore, it has been classified as a Variant of Uncertain Significance.

Ambry Genetics
Classification: Uncertain significance for Maturity-onset diabetes of the young. Last evaluated: 2023-02-24. Review status: criteria provided, single submitter. Criteria: Ambry Variant Classification Scheme 2023. Collection method: clinical testing. Allele origin: germline. Not counted in ClinVar's aggregate classification.
Comment: The p.S161G variant (also known as c.481A>G), located in coding exon 5 of the HNF4A gene, results from an A to G substitution at nucleotide position 481. The serine at codon 161 is replaced by glycine, an amino acid with similar properties. This amino acid position is not well conserved in available vertebrate species. In addition, the in silico prediction for this alteration is inconclusive. Since supporting evidence is limited at this time, the clinical significance of this alteration remains unclear.

Illumina Laboratory Services, Illumina
Classification: Uncertain significance for Familial hyperinsulinism. Last evaluated: 2018-01-13. Review status: criteria provided, single submitter. Criteria: ICSL Variant Classification Criteria 13 December 2019. Collection method: clinical testing. Allele origin: germline. Not counted in ClinVar's aggregate classification.

Illumina Laboratory Services, Illumina
Classification: Uncertain significance for Maturity-onset diabetes of the young type 1. Last evaluated: 2018-01-13. Review status: criteria provided, single submitter. Criteria: ICSL Variant Classification Criteria 13 December 2019. Collection method: clinical testing. Allele origin: germline. Not counted in ClinVar's aggregate classification.

CeGaT Center for Human Genetics Tuebingen
Classification: Uncertain significance. Last evaluated: 2017-07-01. Review status: criteria provided, single submitter. Criteria: CeGaT Center For Human Genetics Tuebingen Variant Classification Criteria Version 2. Collection method: clinical testing. Allele origin: germline. Affected: yes. Observed: 1 variant allele. Not counted in ClinVar's aggregate classification.

Clinical Genomics, Uppaluri K&H Personalized Medicine Clinic
Classification: Uncertain risk allele for Maturity-onset diabetes of the young. Review status: criteria provided, single submitter. Criteria: K & H Uppaluri Personalized Medicine Clinic Variant Classification & Assertion Criteria_Updated V.1. Collection method: research. Allele origin: unknown. Inheritance: Autosomal dominant inheritance. Not counted in ClinVar's aggregate classification.
Comment: Potent mutations in HNF4A are associated with poor insulin secretion in response to hyperglycemia. Associated with MODY1. Patients initially respond well to sulfonylureas but eventually become insulin dependent. However, more evidence is required to ascertain the role of this particular variant rs779555087 in MODY, yet.

Literature cited by the submitters: PubMed 18268044 (cited by Clinical Genomics, Uppaluri K&H Personalized Medicine Clinic); PubMed 17563455 (cited by Clinical Genomics, Uppaluri K&H Personalized Medicine Clinic); PubMed 32583173 (cited by Clinical Genomics, Uppaluri K&H Personalized Medicine Clinic); PubMed 35052457 (cited by Clinical Genomics, Uppaluri K&H Personalized Medicine Clinic); PubMed 35118593 (cited by Clinical Genomics, Uppaluri K&H Personalized Medicine Clinic); DOI 10.1159/000334532 (cited by Clinical Genomics, Uppaluri K&H Personalized Medicine Clinic).

NM_175914.5(HNF4A):c.481A>G (p.Ser161Gly)

Gene: HNF4A (hepatocyte nuclear factor 4 alpha; plus strand). Cytogenetic location: 20q13.12.
Variant type: single nucleotide variant.
Coding change: c.481A>G on transcript NM_175914.5 (MANE Select); coding-DNA position 481, A replaced by G.
Protein change: p.Ser161Gly; replaces serine 161 with glycine.
Molecular consequence: missense variant.
Genome position (GRCh38, 1-based): chr20:44,414,561, A>G. VCF-style: chr20-44414561-A-G. GRCh37 (hg19) VCF-style: chr20-43043201-A-G.
Other names: NM_175914.5(HNF4A):c.481A>G; p.Ser161Gly; c.481A>G (NM_175914.3); c.547A>G, p.Ser183Gly (NM_000457.6, NM_178849.3, NM_178850.3); c.481A>G, p.Ser161Gly (NM_001030003.3, NM_001030004.3); c.526A>G, p.Ser176Gly (NM_001258355.2); c.472A>G, p.Ser158Gly (NM_001287182.2, NM_001287183.2, NM_001287184.2); short protein forms S158G, S161G, S183G, S176G.
Identifiers: ClinVar variation 493321 (VCV000493321.51), dbSNP rs779555087, ClinGen allele CA9870289.
Genomic context (GRCh38, chr20:44,414,561, plus strand): 5'-TCGAAGATCACCTCCCCCGTCTCCGGGATCAACGGCGACATTCGGGCGAAGAAGATTGCC[A>G]GCATCGCAGATGTGTGTGAGTCCATGAAGGAGCAGCTGCTGGTTCTCGTTGAGTGGGCCA-3'
Protein context (NP_787110.2, residues 151-171): NGDIRAKKIA[Ser161Gly]IADVCESMKE